The following is an entry in ClinVar:

ClinVar aggregate classification (germline): Pathogenic (1 of 4 stars; one submission).

Submission:

Labcorp Genetics (formerly Invitae), Labcorp
Classification: Pathogenic. Last evaluated: 2021-11-04. Review status: criteria provided, single submitter. Criteria: Invitae Variant Classification Sherloc (09022015). Collection method: clinical testing. Allele origin: germline.
Comment: For these reasons, this variant has been classified as Pathogenic. This variant has not been reported in the literature in individuals affected with USH2A-related conditions. This variant is not present in population databases (gnomAD no frequency). This sequence change creates a premature translational stop signal (p.Tyr556*) in the USH2A gene. It is expected to result in an absent or disrupted protein product. Loss-of-function variants in USH2A are known to be pathogenic (PMID: 10729113, 10909849, 20507924, 25649381).

Literature cited by the submitters: PubMed 10729113; PubMed 10909849; PubMed 20507924; PubMed 25649381.

NM_206933.4(USH2A):c.1665_1666del (p.Leu555_Tyr556insTer)

Gene: USH2A (usherin; minus strand). Cytogenetic location: 1q41.
Variant type: Deletion.
Coding change: c.1665_1666del on transcript NM_206933.4 (MANE Select); coding-DNA positions 1665 to 1666, 2 bases deleted (TT; older notation c.1665_1666delTT).
Protein change: p.Leu555_Tyr556insTer.
Molecular consequence: frameshift variant.
Genome position (GRCh38, 1-based): chr1:216,292,349-216,292,350, AA deleted on the plus strand (TT on the coding strand, the reverse complement: USH2A is on the minus strand); deleting any 2 consecutive bases within chr1:216,292,349-216,292,351 gives the same sequence; the c. name uses the placement nearest the transcript's 3' end. VCF-style (leftmost placement, unchanged base first): chr1-216292348-TAA-T. GRCh37 (hg19) VCF-style: chr1-216465690-TAA-T.
Other names: c.1665_1666del, p.Leu555_Tyr556insTer (NM_007123.6).
Identifiers: ClinVar variation 1436982 (VCV001436982.6), dbSNP rs2102611118, ClinGen allele CA2573132646.